The following is an entry in ClinVar:

NM_000540.3(RYR1):c.6797-6_6798del

Gene: RYR1 (ryanodine receptor 1; plus strand). Cytogenetic location: 19q13.2.
Variant type: Deletion.
Coding change: c.6797-6_6798del on transcript NM_000540.3 (MANE Select); 6 bases into the intron before coding-DNA position 6797 through coding-DNA position 6798, 8 bases deleted (CTGCAGGC; older notation c.6797-6_6798delCTGCAGGC).
Molecular consequence: splice acceptor variant.
Genome position (GRCh38, 1-based): chr19:38,496,854-38,496,861, CTGCAGGC deleted; deleting any 8 consecutive bases within chr19:38,496,853-38,496,861 gives the same sequence; the c. name uses the placement nearest the transcript's 3' end. VCF-style (leftmost placement, unchanged base first): chr19-38496852-CCCTGCAGG-C. GRCh37 (hg19) VCF-style: chr19-38987492-CCCTGCAGG-C.
Other names: c.6797-6_6798del (NM_001042723.2).
Identifiers: ClinVar variation 2039302 (VCV002039302.7), dbSNP rs1568497199, ClinGen allele CA632874220.

ClinVar aggregate classification (germline): Pathogenic. Review status: criteria provided, multiple submitters, no conflicts (2 of 4 stars). 3 submissions from 3 submitters: Pathogenic (3). Last evaluated 2024-05-07.

Conditions:
RYR1-related disorder. Also called: RYR1-related condition; RYR1-related disorders. Identifiers: MedGen CN239331.
Centronuclear myopathy (CNM). Also called: Myotubular myopathy; Centronuclear myopathy, congenital. Identifiers: Orphanet 595, MedGen C0175709, MONDO:0018947. Inheritance: All.
Congenital multicore myopathy with external ophthalmoplegia (CMYO1B). Also called: MULTICORE MYOPATHY; Congenital myopathy 1B, autosomal recessive; Minicore myopathy; Minicore myopathy with external ophthalmoplegia; MULTIMINICORE DISEASE WITH EXTERNAL OPHTHALMOPLEGIA. Identifiers: Orphanet 598, Orphanet 98905, MedGen C1850674, MONDO:0009712, OMIM 255320, HP:0003789.

Submissions (3):

Clinical Genetics Laboratory, Exon Genomics
Classification: Pathogenic for Congenital multicore myopathy with external ophthalmoplegia. Last evaluated: 2024-05-07. Review status: criteria provided, single submitter. Criteria: ACMG Guidelines, 2015. Collection method: clinical testing. Allele origin: unknown. Inheritance: Autosomal recessive inheritance. Affected: no.
Comment: Null variant (intronic within ±2 of splice site) in gene RYR1. Loss-of-function is a known mechanism of disease (gene has 372 reported pathogenic LOF variants). ClinVar classifies this variant as Pathogenic, 1 star (reviewed Feb '23, 1 submission of which 1 is from high confidence submitter), citing 5 articles (28818389, 23919265, 20839240, 20583297 and 16199547). Variant not found in gnomAD genomes, good gnomAD genomes coverage = 31.5.

Muscle and Diseases Team, Institut de Génétique et Biologie Moléculaire et Cellulaire
Classification: Pathogenic for Centronuclear myopathy. Last evaluated: 2024-03-01. Review status: criteria provided, single submitter. Criteria: ACMG Guidelines, 2015. Collection method: research. Allele origin: unknown. Affected: yes. Observed: 2 variant alleles.
Comment: PVS1+PM2+PP1

Labcorp Genetics (formerly Invitae), Labcorp
Classification: Pathogenic for RYR1-related disorder. Last evaluated: 2023-08-04. Review status: criteria provided, single submitter. Criteria: Invitae Variant Classification Sherloc (09022015). Collection method: clinical testing. Allele origin: germline.
Comment: This variant results in the deletion of part of exon 42 (c.6797-6_6798del) of the RYR1 gene. It is expected to disrupt RNA splicing. Variants that disrupt the donor or acceptor splice site typically lead to a loss of protein function (PMID: 16199547), and loss-of-function variants in RYR1 are known to be pathogenic (PMID: 23919265, 25960145, 28818389, 30611313). This variant is present in population databases (no rsID available, gnomAD 0.003%). This variant has been observed in individual(s) with autosomal recessive centronuclear myopathy (PMID: 28818389). In at least one individual the data is consistent with being in trans (on the opposite chromosome) from a pathogenic variant. It has also been observed to segregate with disease in related individuals. ClinVar contains an entry for this variant (Variation ID: 2039302). Algorithms developed to predict the effect of sequence changes on RNA splicing suggest that this variant may disrupt the consensus splice site. For these reasons, this variant has been classified as Pathogenic.

Literature cited by the submitters: DOI 10.1186/s13073-024-01353-0 (cited by Muscle and Diseases Team, Institut de Génétique et Biologie Moléculaire et Cellulaire); PubMed 28818389 (cited by Muscle and Diseases Team, Institut de Génétique et Biologie Moléculaire et Cellulaire and Labcorp Genetics (formerly Invitae), Labcorp); PubMed 16199547 (cited by Labcorp Genetics (formerly Invitae), Labcorp); PubMed 23919265 (cited by Labcorp Genetics (formerly Invitae), Labcorp); PubMed 25960145 (cited by Labcorp Genetics (formerly Invitae), Labcorp); PubMed 30611313 (cited by Labcorp Genetics (formerly Invitae), Labcorp).